The following is an entry in ClinVar:

NM_001128205.2(SULF1):c.68C>T (p.Ser23Leu)

Gene: SULF1 (sulfatase 1; plus strand). Cytogenetic location: 8q13.2.
Variant type: single nucleotide variant.
Coding change: c.68C>T on transcript NM_001128205.2 (MANE Select); coding-DNA position 68, C replaced by T.
Protein change: p.Ser23Leu; replaces serine 23 with leucine.
Molecular consequence: missense variant. On other transcripts: non-coding transcript variant (2).
Genome position (GRCh38, 1-based): chr8:69,564,043, C>T. VCF-style: chr8-69564043-C-T. GRCh37 (hg19) VCF-style: chr8-70476278-C-T.
Other names: c.68C>T, p.Ser23Leu (NM_001128204.2, NM_001128206.2, NM_015170.3); c.68C>T (NM_001128205.1); short protein forms S23L.
Identifiers: ClinVar variation 502496 (VCV000502496.11), dbSNP rs773848473, ClinGen allele CA4775471.

ClinVar aggregate classification (germline): Uncertain significance. Review status: criteria provided, multiple submitters, no conflicts (2 of 4 stars). 3 submissions from 3 submitters: Uncertain significance (3). Last evaluated 2025-04-15.

Allele frequency attached by ClinVar (database versions not stated): gnomAD 0.00002 and 0.00003; ExAC 0.00003; TOPMed 0.00003; gnomAD exomes 0.00004.

Submissions (3):

Labcorp Genetics (formerly Invitae), Labcorp
Classification: Uncertain significance. Last evaluated: 2025-04-15. Review status: criteria provided, single submitter. Criteria: Invitae Variant Classification Sherloc (09022015). Collection method: clinical testing. Allele origin: germline.
Comment: This sequence change replaces serine, which is neutral and polar, with leucine, which is neutral and non-polar, at codon 23 of the SULF1 protein (p.Ser23Leu). This variant is present in population databases (rs773848473, gnomAD 0.006%). This variant has not been reported in the literature in individuals affected with SULF1-related conditions. ClinVar contains an entry for this variant (Variation ID: 502496). An algorithm developed to predict the effect of missense changes on protein structure and function outputs the following: PolyPhen-2: "Benign". The leucine amino acid residue is found in multiple mammalian species, which suggests that this missense change does not adversely affect protein function. In summary, the available evidence is currently insufficient to determine the role of this variant in disease. Therefore, it has been classified as a Variant of Uncertain Significance.

Ambry Genetics
Classification: Uncertain significance. Last evaluated: 2023-04-28. Review status: criteria provided, single submitter. Criteria: Ambry Variant Classification Scheme 2023. Collection method: clinical testing. Allele origin: germline.

Eurofins Ntd Llc (ga)
Classification: Uncertain significance. Last evaluated: 2017-06-14. Review status: criteria provided, single submitter. Criteria: EGL Classification Definitions 2015. Collection method: clinical testing. Allele origin: germline. Observed: 1 variant allele, 1 heterozygote.